The following is an entry in ClinVar:

NM_177986.5(DSG4):c.3066C>A (p.Pro1022=)

Genes: DSG1-AS1 (DSG1 antisense RNA 1; minus strand), DSG4 (desmoglein 4; plus strand). Cytogenetic location: 18q12.1.
Variant type: single nucleotide variant.
Coding change: c.3066C>A on transcript NM_177986.5 (MANE Select); coding-DNA position 3066, C replaced by A.
Protein change: p.Pro1022=; no amino-acid change (proline 1022 retained).
Molecular consequence: synonymous variant.
Genome position (GRCh38, 1-based): chr18:31,413,538, C>A. VCF-style: chr18-31413538-C-A. GRCh37 (hg19) VCF-style: chr18-28993501-C-A.
Other names: c.3123C>A, p.Pro1041= (NM_001134453.3).
Identifiers: ClinVar variation 326458 (VCV000326458.14), dbSNP rs7234288, ClinGen allele CA8927464.

ClinVar aggregate classification (germline): Benign. Review status: criteria provided, multiple submitters, no conflicts (2 of 4 stars). 4 submissions from 4 submitters: Benign (4). Last evaluated 2026-02-04.

Conditions:
Hypotrichosis 6 (HYPT6). Also called: HYPOTRICHOSIS, LOCALIZED, AUTOSOMAL RECESSIVE 1; MONILETHRIX-LIKE HYPOTRICHOSIS. Identifiers: Orphanet 55654, MedGen C1842839, MONDO:0011932, OMIM 607903.

Allele frequency attached by ClinVar (database versions not stated): ESP Exome Variant Server 0.72193; TOPMed 0.72198; gnomAD exomes 0.72234 and 0.73209; ExAC 0.72391; gnomAD 0.72694 and 0.72780; 1000 Genomes Project 30x 0.73844; 1000 Genomes Project 0.74321.

Submissions (4):

Labcorp Genetics (formerly Invitae), Labcorp
Classification: Benign. Last evaluated: 2026-02-04. Review status: criteria provided, single submitter. Criteria: Invitae Variant Classification Sherloc (09022015). Collection method: clinical testing. Allele origin: germline.

GeneDx
Classification: Benign. Last evaluated: 2018-11-10. Review status: criteria provided, single submitter. Criteria: GeneDx Variant Classification Process June 2021. Collection method: clinical testing. Allele origin: germline. Affected: yes.

Illumina Laboratory Services, Illumina
Classification: Benign for Hypotrichosis 6. Last evaluated: 2018-01-13. Review status: criteria provided, single submitter. Criteria: ICSL Variant Classification Criteria 13 December 2019. Collection method: clinical testing. Allele origin: germline.
Comment: This variant was observed in the ICSL laboratory as part of a predisposition screen in an ostensibly healthy population. It had not been previously curated by ICSL or reported in the Human Gene Mutation Database (HGMD: prior to June 1st, 2018), and was therefore a candidate for classification through an automated scoring system. Utilizing variant allele frequency, disease prevalence and penetrance estimates, and inheritance mode, an automated score was calculated to assess if this variant is too frequent to cause the disease. Based on the score and internal cut-off values, a variant classified as benign is not then subjected to further curation. The score for this variant resulted in a classification of benign for this disease.

Breakthrough Genomics
Classification: Benign. Review status: criteria provided, single submitter. Criteria: ACMG Guidelines, 2015. Collection method: not provided. Allele origin: germline. Inheritance: Autosomal recessive inheritance. Affected: yes.